The following is an entry in ClinVar:

NM_004606.5(TAF1):c.292G>A (p.Glu98Lys)

Gene: TAF1 (TATA-box binding protein associated factor 1; plus strand). Cytogenetic location: Xq13.1.
Variant type: single nucleotide variant.
Coding change: c.292G>A on transcript NM_004606.5 (MANE Select); coding-DNA position 292, G replaced by A.
Protein change: p.Glu98Lys; replaces glutamic acid 98 with lysine.
Molecular consequence: missense variant. On other transcripts: non-coding transcript variant (9).
Genome position (GRCh38, 1-based): chrX:71,368,110, G>A. VCF-style: chrX-71368110-G-A. GRCh37 (hg19) VCF-style: chrX-70587960-G-A.
Other names: c.292G>A, p.Glu98Lys (NM_001286074.2, NM_001440852.1, NM_001440853.1 and 2 more transcripts); short protein forms E98K.
Identifiers: ClinVar variation 5009942 (VCV005009942.1).

ClinVar aggregate classification (germline): Uncertain significance (1 of 4 stars; one submission).

Submission:

GeneDx
Classification: Uncertain significance. Last evaluated: 2026-02-26. Review status: criteria provided, single submitter. Criteria: GeneDx Variant Classification Process June 2021. Collection method: clinical testing. Allele origin: germline.
Comment: Not observed at significant frequency in large population cohorts (gnomAD); In silico analysis supports that this missense variant has a deleterious effect on protein structure/function; Has not been previously published as pathogenic or benign to our knowledge